The following is an entry in ClinVar:

ClinVar aggregate classification (germline): Uncertain significance. Review status: criteria provided, multiple submitters, no conflicts (2 of 4 stars). 2 submissions from 2 submitters: Uncertain significance (2). Last evaluated 2022-09-23.

Conditions:
Ataxia-telangiectasia-like disorder (ATLD). Identifiers: MedGen C1858391, MONDO:0011457.
Hereditary cancer-predisposing syndrome. Also called: Neoplastic Syndromes, Hereditary; Tumor predisposition; Hereditary neoplastic syndrome; Hereditary Cancer Syndrome. Identifiers: Orphanet 140162, MedGen C0027672, MeSH D009386, MONDO:0015356.

Submissions (2):

Labcorp Genetics (formerly Invitae), Labcorp
Classification: Uncertain significance for Ataxia-telangiectasia-like disorder. Last evaluated: 2022-09-23. Review status: criteria provided, single submitter. Criteria: Invitae Variant Classification Sherloc (09022015). Collection method: clinical testing. Allele origin: germline.
Comment: In summary, the available evidence is currently insufficient to determine the role of this variant in disease. Therefore, it has been classified as a Variant of Uncertain Significance. Experimental studies and prediction algorithms are not available or were not evaluated, and the functional significance of this variant is currently unknown. ClinVar contains an entry for this variant (Variation ID: 837532). This variant has not been reported in the literature in individuals affected with MRE11-related conditions. This variant is not present in population databases (gnomAD no frequency). This variant, c.1734_1742del, results in the deletion of 3 amino acid(s) of the MRE11 protein (p.Gly579_Gly581del), but otherwise preserves the integrity of the reading frame.

Ambry Genetics
Classification: Uncertain significance for Hereditary cancer-predisposing syndrome. Last evaluated: 2020-02-05. Review status: criteria provided, single submitter. Criteria: Ambry Variant Classification Scheme 2023. Collection method: clinical testing. Allele origin: germline.
Comment: The c.1734_1742delTGGAAGAGG variant (also known as p.G579_G581del) is located in coding exon 14 of the MRE11A gene. This variant results from an in-frame TGGAAGAGG deletion at nucleotide positions 1734 to 1742. This results in the in-frame deletion of three amino acids at codons 579 to 581. These amino acid positions are well conserved in available vertebrate species. Since supporting evidence is limited at this time, the clinical significance of this alteration remains unclear.

NM_005591.4(MRE11):c.1734_1742del (p.Gly579_Gly581del)

Gene: MRE11 (MRE11 double strand break repair nuclease; minus strand). Cytogenetic location: 11q21.
Variant type: Deletion.
Coding change: c.1734_1742del on transcript NM_005591.4 (MANE Select); coding-DNA positions 1734 to 1742, 9 bases deleted (TGGAAGAGG; older notation c.1734_1742delTGGAAGAGG).
Protein change: p.Gly579_Gly581del.
Molecular consequence: inframe deletion.
Genome position (GRCh38, 1-based): chr11:94,447,260-94,447,268, CCTCTTCCA deleted on the plus strand (TGGAAGAGG on the coding strand, the reverse complement: MRE11 is on the minus strand); deleting any 9 consecutive bases within chr11:94,447,260-94,447,275 gives the same sequence; the c. name uses the placement nearest the transcript's 3' end. VCF-style (leftmost placement, unchanged base first): chr11-94447259-CCCTCTTCCA-C. GRCh37 (hg19) VCF-style: chr11-94180425-CCCTCTTCCA-C.
Other names: c.1734_1742delTGGAAGAGG (NM_005591.3); c.1734_1742del, p.Gly579_Gly581del (NM_001330347.2, NM_005590.4).
Identifiers: ClinVar variation 837532 (VCV000837532.12), dbSNP rs1945960036, ClinGen allele CA916082348.
Genomic context (GRCh38, chr11:94,447,259, plus strand): 5'-GGACTGAACTCAGTGCTCACCTCTTCCTCTTTGAGACCCTCCTCTCGATGCTGAATTCTG[CCCTCTTCCA>C]CCTCTTCGACCTCTTCCTCGGCCTCTTCCTTTGTTGGTTGCTGCTGAGATGCTATCATCA-3'